The following is an entry in ClinVar:

ClinVar aggregate classification (germline): Uncertain significance (1 of 4 stars; one submission).

Submission:

Labcorp Genetics (formerly Invitae), Labcorp
Classification: Uncertain significance. Last evaluated: 2025-08-11. Review status: criteria provided, single submitter. Criteria: Invitae Variant Classification Sherloc (09022015). Collection method: clinical testing. Allele origin: germline.
Comment: This sequence change affects a donor splice site in intron 12 of the PITPNM3 gene. It is expected to disrupt RNA splicing. Variants that disrupt the donor or acceptor splice site typically lead to a loss of protein function (PMID: 16199547), however the current clinical and genetic evidence is not sufficient to establish whether loss-of-function variants in PITPNM3 cause disease. This variant is not present in population databases (gnomAD no frequency). This variant has not been reported in the literature in individuals affected with PITPNM3-related conditions. ClinVar contains an entry for this variant (Variation ID: 1034654). Algorithms developed to predict the effect of sequence changes on RNA splicing suggest that this variant may disrupt the consensus splice site. In summary, the available evidence is currently insufficient to determine the role of this variant in disease. Therefore, it has been classified as a Variant of Uncertain Significance.

Literature cited by the submitters: PubMed 16199547.

NM_031220.4(PITPNM3):c.1624+1G>A

Gene: PITPNM3 (PITPNM family member 3; minus strand). Cytogenetic location: 17p13.2.
Variant type: single nucleotide variant.
Coding change: c.1624+1G>A on transcript NM_031220.4 (MANE Select); the canonical splice donor site of the intron after coding-DNA position 1624, G replaced by A.
Molecular consequence: splice donor variant.
Genome position (GRCh38, 1-based): chr17:6,471,160, C>T on the plus strand (G>A on the coding strand, the complement: PITPNM3 is on the minus strand). VCF-style: chr17-6471160-C-T. GRCh37 (hg19) VCF-style: chr17-6374480-C-T.
Other names: c.1516+1G>A (NM_001165966.2).
Identifiers: ClinVar variation 1034654 (VCV001034654.8), dbSNP rs1905049879, ClinGen allele CA397404869.